The following is an entry in ClinVar:

NM_002224.4(ITPR3):c.5808C>T (p.Leu1936=)

Gene: ITPR3 (inositol 1,4,5-trisphosphate receptor type 3; plus strand). Cytogenetic location: 6p21.31.
Variant type: single nucleotide variant.
Coding change: c.5808C>T on transcript NM_002224.4 (MANE Select); coding-DNA position 5808, C replaced by T.
Protein change: p.Leu1936=; no amino-acid change (leucine 1936 retained).
Molecular consequence: synonymous variant.
Genome position (GRCh38, 1-based): chr6:33,686,193, C>T. VCF-style: chr6-33686193-C-T. GRCh37 (hg19) VCF-style: chr6-33653970-C-T.
Identifiers: ClinVar variation 785167 (VCV000785167.4), dbSNP rs142431293, ClinGen allele CA3761684.

ClinVar aggregate classification (germline): Benign/Likely benign. Review status: criteria provided, multiple submitters, no conflicts (2 of 4 stars). 2 submissions from 2 submitters: Benign (1); Likely benign (1). Last evaluated 2026-07-22.

Conditions:
ITPR3-related disorder. Also called: ITPR3-related condition.

Allele frequency attached by ClinVar (database versions not stated): gnomAD exomes 0.00029 and 0.00032; ExAC 0.00038; 1000 Genomes Project 0.00120; gnomAD 0.00121 and 0.00128; 1000 Genomes Project 30x 0.00125; TOPMed 0.00137; ESP Exome Variant Server 0.00138.
gnomAD v4.1: 612 of 1,614,110 alleles (0.038%); highest among the groups gnomAD compares: African/African-American, 0.37%; 1 homozygote.

Submissions (2):

PreventionGenetics, part of Exact Sciences
Classification: Likely benign for ITPR3-related condition. Last evaluated: 2026-07-22. Review status: criteria provided, single submitter. Criteria: ACMG Guidelines, 2015. Collection method: clinical testing. Allele origin: germline.
Comment: This variant is classified as likely benign based on ACMG/AMP sequence variant interpretation guidelines (Richards et al. 2015 PMID: 25741868, with internal and published modifications).

Labcorp Genetics (formerly Invitae), Labcorp
Classification: Benign. Last evaluated: 2018-06-15. Review status: criteria provided, single submitter. Criteria: Invitae Variant Classification Sherloc (09022015). Collection method: clinical testing. Allele origin: germline.